The following is an entry in ClinVar:

NM_000057.4(BLM):c.3956del (p.Ile1319fs)

Gene: BLM (BLM RecQ like helicase; plus strand). Cytogenetic location: 15q26.1.
Variant type: Deletion.
Coding change: c.3956del on transcript NM_000057.4 (MANE Select); coding-DNA position 3956, one base deleted (T; older notation c.3956delT).
Protein change: p.Ile1319fs; shifts the reading frame from isoleucine 1319.
Molecular consequence: frameshift variant.
Genome position (GRCh38, 1-based): chr15:90,811,286, T deleted. VCF-style (leftmost placement, unchanged base first): chr15-90811285-AT-A. GRCh37 (hg19) VCF-style: chr15-91354515-AT-A.
Other names: c.3956del (NM_000057.3); c.3956del, p.Ile1319fs (NM_001287246.2); c.3563del, p.Ile1188fs (NM_001287247.2); c.2831del, p.Ile944fs (NM_001287248.2); short protein forms I944fs, I1319fs, I1188fs.
Identifiers: ClinVar variation 554289 (VCV000554289.10), dbSNP rs1555425080, ClinGen allele CA658824110.

ClinVar aggregate classification (germline): Likely pathogenic. Review status: criteria provided, single submitter (1 of 4 stars). 2 submissions from 2 submitters: Likely pathogenic (1). 1 of the submissions does not count toward it. Last evaluated 2025-12-06.

Conditions:
Bloom syndrome (BLM). Also called: Bloom-Torre-Machacek syndrome. Identifiers: Orphanet 125, MedGen C0005859, MONDO:0008876, OMIM 210900.

Allele frequency attached by ClinVar (database versions not stated): gnomAD exomes below 0.00001.

Submissions (2):

Labcorp Genetics (formerly Invitae), Labcorp
Classification: Likely pathogenic for Bloom syndrome. Last evaluated: 2025-12-06. Review status: criteria provided, single submitter. Criteria: Invitae Variant Classification Sherloc (09022015). Collection method: clinical testing. Allele origin: germline.
Comment: This sequence change creates a premature translational stop signal (p.Ile1319Asnfs*87) in the BLM gene. While this is not anticipated to result in nonsense mediated decay, it is expected to disrupt the last 99 amino acid(s) of the BLM protein. This variant is not present in population databases (gnomAD no frequency). This variant has not been reported in the literature in individuals affected with BLM-related conditions. ClinVar contains an entry for this variant (Variation ID: 554289). This variant disrupts the nuclear localization signal (NLS) and the topoisomerase I (TOP1) domain of BLM protein, which are critical for BLM localization to the nucleus and TOP1-mediated RNA:DNA unwinding (PMID: 27657136, 9388480, 10569803). While functional studies have not been performed to directly test the effect of this variant on BLM protein function, this suggests that disruption of this region of the protein is causative of disease. In summary, the currently available evidence indicates that the variant is pathogenic, but additional data are needed to prove that conclusively. Therefore, this variant has been classified as Likely Pathogenic.

Counsyl
Classification: Likely pathogenic for Bloom syndrome. Last evaluated: 2017-10-13. Review status: no assertion criteria provided. Collection method: clinical testing. Allele origin: unknown. Not counted in ClinVar's aggregate classification.

Literature cited by the submitters: PubMed 27657136 (cited by Labcorp Genetics (formerly Invitae), Labcorp); PubMed 9388480 (cited by Labcorp Genetics (formerly Invitae), Labcorp and Counsyl); PubMed 10569803 (cited by Labcorp Genetics (formerly Invitae), Labcorp).